The following is an entry in ClinVar:

ClinVar aggregate classification (germline): other (0 of 4 stars; one submission).

Conditions:
Familial colorectal cancer. Identifiers: MedGen CN280943, MONDO:0023113. Disease mechanism: loss of function.

Submission:

Systems Biology Platform Zhejiang California International NanoSystems Institute
Classification: other for Familial colorectal cancer. Review status: no assertion criteria provided. Collection method: not provided. Allele origin: unknown.
ClinVar note: Converted during submission from cancer to other.

NM_000038.6(APC):c.136-5227A>C

Gene: APC (APC regulator of WNT signaling pathway; plus strand). Cytogenetic location: 5q22.2.
Variant type: single nucleotide variant.
Coding change: c.136-5227A>C on transcript NM_000038.6 (MANE Select); 5227 bases into the intron before coding-DNA position 136, A replaced by C.
Molecular consequence: intron variant.
Genome position (GRCh38, 1-based): chr5:112,761,099, A>C. VCF-style: chr5-112761099-A-C. GRCh37 (hg19) VCF-style: chr5-112096796-A-C.
Other names: c.136-5227A>C (NM_001354895.2, NM_001127510.3, NM_001354896.2 and 2 more transcripts); c.166-5227A>C (NM_001354897.2, NM_001354902.2, NM_001127511.3); c.61-5227A>C (NM_001354898.2, NM_001354904.2); c.-900-5227A>C (NM_001354906.2); c.-42-5227A>C (NM_001354900.2, NM_001354901.2, NM_001354905.2).
Identifiers: ClinVar variation 82379 (VCV000082379.2), dbSNP rs77047220, ClinGen allele CA004778.
Genomic context (GRCh38, chr5:112,761,099, plus strand): 5'-GACCTCGTGATCCACCTGACTCGGCCTCCCAAAGTGCTGAGATTACAGGTGTGAGCCACC[A>C]CCCCCAGCGGGTCCCAATCCATTTTTAGTTGCTAATTGGATTGAGGAGATCAGACCCCAA-3'